The following is an entry in ClinVar:

ClinVar aggregate classification (germline): Likely benign. Review status: criteria provided, multiple submitters, no conflicts (2 of 4 stars). 2 submissions from 2 submitters: Likely benign (2). Last evaluated 2025-07-27.

Conditions:
FAT1-related disorder. Also called: FAT1-related condition.

gnomAD v4.1: 77 of 1,613,798 alleles (0.0048%); highest among the groups gnomAD compares: Middle Eastern, 0.016%; no homozygotes.

Submissions (2):

Labcorp Genetics (formerly Invitae), Labcorp
Classification: Likely benign. Last evaluated: 2025-07-27. Review status: criteria provided, single submitter. Criteria: Invitae Variant Classification Sherloc (09022015). Collection method: clinical testing. Allele origin: germline.

PreventionGenetics, part of Exact Sciences
Classification: Likely benign for FAT1-related condition. Last evaluated: 2025-02-17. Review status: criteria provided, single submitter. Criteria: ACMG Guidelines, 2015. Collection method: clinical testing. Allele origin: germline.
Comment: This variant is classified as likely benign based on ACMG/AMP sequence variant interpretation guidelines (Richards et al. 2015 PMID: 25741868, with internal and published modifications).

NM_005245.4(FAT1):c.5985C>T (p.Ala1995=)

Gene: FAT1 (FAT atypical cadherin 1; minus strand). Cytogenetic location: 4q35.2.
Variant type: single nucleotide variant.
Coding change: c.5985C>T on transcript NM_005245.4 (MANE Select); coding-DNA position 5985, C replaced by T.
Protein change: p.Ala1995=; no amino-acid change (alanine 1995 retained).
Molecular consequence: synonymous variant.
Genome position (GRCh38, 1-based): chr4:186,620,601, G>A on the plus strand (C>T on the coding strand, the complement: FAT1 is on the minus strand). VCF-style: chr4-186620601-G-A. GRCh37 (hg19) VCF-style: chr4-187541755-G-A.
Other names: c.5985C>T, p.Ala1995= (NM_001440455.1, NM_001440456.1, NM_001440457.1); c.5985C>T (NM_005245.3).
Identifiers: ClinVar variation 4752951 (VCV004752951.2).